The following is an entry in ClinVar:

NM_176824.3(BBS7):c.1098_1102del (p.Ser367fs)

Gene: BBS7 (Bardet-Biedl syndrome 7; minus strand). Cytogenetic location: 4q27.
Variant type: Deletion.
Coding change: c.1098_1102del on transcript NM_176824.3 (MANE Select); coding-DNA positions 1098 to 1102, 5 bases deleted (TTCTC; older notation c.1098_1102delTTCTC).
Protein change: p.Ser367fs; shifts the reading frame from serine 367.
Molecular consequence: frameshift variant.
Genome position (GRCh38, 1-based): chr4:121,845,632-121,845,636, GAGAA deleted on the plus strand (TTCTC on the coding strand, the reverse complement: BBS7 is on the minus strand); deleting any 5 consecutive bases within chr4:121,845,632-121,845,638 gives the same sequence; the c. name uses the placement nearest the transcript's 3' end. VCF-style (leftmost placement, unchanged base first): chr4-121845631-TGAGAA-T. GRCh37 (hg19) VCF-style: chr4-122766786-TGAGAA-T.
Other names: c.1098_1102del, p.Ser367fs (NM_018190.4); short protein forms S367fs.
Identifiers: ClinVar variation 5001647 (VCV005001647.1).

ClinVar aggregate classification (germline): Likely pathogenic (1 of 4 stars; one submission).

Conditions:
BBS7-related disorder. Also called: BBS7-related condition.

Submission:

PreventionGenetics, part of Exact Sciences
Classification: Likely pathogenic for BBS7-related condition. Last evaluated: 2024-10-24. Review status: criteria provided, single submitter. Criteria: ACMG Guidelines, 2015. Collection method: clinical testing. Allele origin: germline.
Comment: The BBS7 c.1098_1102del5 variant is predicted to result in a frameshift and premature protein termination (p.Ser367Ilefs*15). To our knowledge, this variant has not been reported in the literature or in a large population database (gnomAD), indicating this variant is rare. Frameshift variants in BBS7 are expected to be pathogenic. This variant is interpreted as likely pathogenic.